The following is an entry in ClinVar:

NC_000007.13:g.(?_105173271)_(105187780_?)dup

Gene: RINT1 (RAD50 interactor 1; plus strand). Cytogenetic location: 7q22.3.
Variant type: Duplication.
Identifiers: ClinVar variation 417538 (VCV000417538.1).

ClinVar aggregate classification (germline): Uncertain significance (1 of 4 stars; one submission).

Submission:

Labcorp Genetics (formerly Invitae), Labcorp
Classification: Uncertain significance. Last evaluated: 2016-12-30. Review status: criteria provided, single submitter. Criteria: Invitae Variant Classification Sherloc (09022015). Collection method: clinical testing. Allele origin: germline.
Comment: This variant is a gross duplication of the genomic region encompassing exons 2-6 of the RINT1 gene. While the exact position of the duplicated exons cannot be determined from this data, the duplicated copy of this region is likely in tandem and may result in an absent or disrupted protein product. While this particular duplication has not been reported in the literature, loss-of-function variants in RINT1 are not necessarily pathogenic (PMID: 25050558), and the clinical significance of this variant is uncertain at this time. In summary, this is a novel duplication with uncertain impact on protein function. It has been classified as a Variant of Uncertain Significance.